The following is an entry in ClinVar:

NM_006393.3(NEBL):c.2346+6G>A

Gene: NEBL (nebulette; minus strand). Cytogenetic location: 10p12.31.
Variant type: single nucleotide variant.
Coding change: c.2346+6G>A on transcript NM_006393.3 (MANE Select); 6 bases into the intron after coding-DNA position 2346, G replaced by A.
Molecular consequence: intron variant.
Genome position (GRCh38, 1-based): chr10:20,813,933, C>T on the plus strand (G>A on the coding strand, the complement: NEBL is on the minus strand). VCF-style: chr10-20813933-C-T. GRCh37 (hg19) VCF-style: chr10-21102862-C-T.
Other names: c.250-993G>A (NM_001377326.1, NM_001377327.1, NM_001377328.1); c.358-993G>A (NM_213569.2, NM_001173484.2, NM_001377322.1); c.301-993G>A (NM_001377324.1); c.292-993G>A (NM_001377325.1); c.310-993G>A (NM_001377323.1).
Identifiers: ClinVar variation 164743 (VCV000164743.17), dbSNP rs201822024, ClinGen allele CA177430.
Genomic context (GRCh38, chr10:20,813,933, plus strand): 5'-TGCCATCCGTGCACTGGATCCGCCCATTCCTTAGCATGTTTTAAGAATGATCTGGTTGGA[C>T]CCTACCATTGAAATATGATTTTGTGCTTCTTTAACATGTCTCATAGCAGGTGTATCTAAA-3'

ClinVar aggregate classification (germline): Conflicting classifications of pathogenicity. Review status: criteria provided, conflicting classifications (1 of 4 stars). 3 submissions from 3 submitters: Uncertain significance (1); Benign (2). Last evaluated 2025-12-29.

Conditions:
Primary dilated cardiomyopathy (DCM). Also called: Dilated Cardiomyopathy. Identifiers: Orphanet 217604, MedGen C0007193, MeSH D002311, MONDO:0005021, HP:0001644. Inheritance: Various modes of inheritance.

Allele frequency attached by ClinVar (database versions not stated): gnomAD 0.00006; gnomAD exomes 0.00011 and 0.00057; 1000 Genomes Project 30x 0.00016; 1000 Genomes Project 0.00020; TOPMed 0.00030; ExAC 0.00048.
gnomAD v4.1: 161 of 1,544,954 alleles (0.01%); highest among the groups gnomAD compares: Admixed American, 0.26%; 1 homozygote.

Submissions (3):

Labcorp Genetics (formerly Invitae), Labcorp
Classification: Benign for Primary dilated cardiomyopathy. Last evaluated: 2025-12-29. Review status: criteria provided, single submitter. Criteria: Invitae Variant Classification Sherloc (09022015). Collection method: clinical testing. Allele origin: germline.

GeneDx
Classification: Benign. Last evaluated: 2015-04-16. Review status: criteria provided, single submitter. Criteria: GeneDx Variant Classification (06012015). Collection method: clinical testing. Allele origin: germline. Affected: yes.
Comment: This variant is considered likely benign or benign based on one or more of the following criteria: it is a conservative change, it occurs at a poorly conserved position in the protein, it is predicted to be benign by multiple in silico algorithms, and/or has population frequency not consistent with disease.

Laboratory for Molecular Medicine, Mass General Brigham Personalized Medicine
Classification: Uncertain significance. Last evaluated: 2014-01-22. Review status: criteria provided, single submitter. Criteria: LMM Criteria. Collection method: clinical testing. Allele origin: germline. Observed: 1 variant allele.
Comment: The 2346+6G>A variant in NEBL has not been previously reported in individuals wi th cardiomyopathy, but has been identified in 1/128 Mexican chromosomes by the 1 000 Genomes Project (dbSNP rs201822024). This variant is located in the 5' splic e region. Computational tools do not suggest an impact to splicing, though this information is not predictive enough to rule out pathogenicity. Additional infor mation is needed to fully assess the clinical significance of this variant.